The following is an entry in ClinVar:

NM_005121.3(MED13):c.4686C>A (p.Gly1562=)

Gene: MED13 (mediator complex subunit 13; minus strand). Cytogenetic location: 17q23.2.
Variant type: single nucleotide variant.
Coding change: c.4686C>A on transcript NM_005121.3 (MANE Select); coding-DNA position 4686, C replaced by A.
Protein change: p.Gly1562=; no amino-acid change (glycine 1562 retained).
Molecular consequence: synonymous variant.
Genome position (GRCh38, 1-based): chr17:61,965,164, G>T on the plus strand (C>A on the coding strand, the complement: MED13 is on the minus strand). VCF-style: chr17-61965164-G-T. GRCh37 (hg19) VCF-style: chr17-60042525-G-T.
Other names: NC_000017.10:g.60042525G>T.
Identifiers: ClinVar variation 2570994 (VCV002570994.28), dbSNP rs200843137, ClinGen allele CA8692369.

ClinVar aggregate classification (germline): Likely benign (1 of 4 stars; one submission).

Allele frequency attached by ClinVar (database versions not stated): TOPMed 0.00029; gnomAD 0.00030; ExAC 0.00033; gnomAD exomes 0.00070; ESP Exome Variant Server 0.00097.
gnomAD v4.1: 1,080 of 1,613,988 alleles (0.067%); highest among the groups gnomAD compares: Non-Finnish European, 0.085%; 2 homozygotes.

Submissions (2):

CeGaT Center for Human Genetics Tuebingen
Classification: Likely benign. Last evaluated: 2026-09-01. Review status: criteria provided, single submitter. Criteria: CeGaT Center For Human Genetics Tuebingen Variant Classification Criteria Version 2. Collection method: clinical testing. Allele origin: germline. Affected: yes. Observed: 4 variant alleles.
Comment: MED13: BP4, BP7

Dr. Peter K. Rogan Lab, Western University
No classification provided (evidence only). Condition: Uterine carcinosarcoma. Review status: no classification provided. Collection method: in vitro. Allele origin: not applicable. Functional consequence: retained intron. Not counted in ClinVar's aggregate classification.